The following is an entry in ClinVar:

NM_001020658.2(PUM1):c.170C>A (p.Ala57Glu)

Gene: PUM1 (pumilio RNA binding family member 1; minus strand). Cytogenetic location: 1p35.2.
Variant type: single nucleotide variant.
Coding change: c.170C>A on transcript NM_001020658.2 (MANE Select); coding-DNA position 170, C replaced by A.
Protein change: p.Ala57Glu; replaces alanine 57 with glutamic acid.
Molecular consequence: missense variant.
Genome position (GRCh38, 1-based): chr1:31,059,397, G>T on the plus strand (C>A on the coding strand, the complement: PUM1 is on the minus strand). VCF-style: chr1-31059397-G-T. GRCh37 (hg19) VCF-style: chr1-31532244-G-T.
Other names: c.170C>A, p.Ala57Glu (NM_014676.3); short protein forms A57E.
Identifiers: ClinVar variation 3362307 (VCV003362307.3).

ClinVar aggregate classification (germline): Uncertain significance (1 of 4 stars; one submission).

Conditions:
Spinocerebellar ataxia 47 (NEDMSF). Also called: neurodevelopmental disorder with motor abnormalities, seizures, and facial dysmorphism; PADDAS SYNDROME. Identifiers: Orphanet 642747, MedGen C4693672, MONDO:0033482, OMIM 620719.

gnomAD v4.1: 2 of 1,614,150 alleles (0.00012%); highest among the groups gnomAD compares: South Asian, 0.0022%; no homozygotes.

Submission:

Neuberg Centre For Genomic Medicine, NCGM
Classification: Uncertain significance. Last evaluated: 2023-06-02. Review status: criteria provided, single submitter. Criteria: ACMG Guidelines, 2015. Collection method: clinical testing. Allele origin: germline. Inheritance: Autosomal recessive inheritance. Affected: yes.
Comment: The missense variant c.170C>A (p.Ala57Glu) in the PUM1 gene has not been reported previously as a pathogenic variant nor as a benign variant, to our knowledge. This variant is reported with the allele frequency (0.0007%) in the gnomAD Exomes. The amino acid Ala at position 57 is changed to a Glu changing protein sequence and it might alter its composition and physico-chemical properties. Computational evidence (Polyphen, SIFT and MutationTaster) predicts conflicting evidence on protein structure and function for this variant. The amino acid change p.Ala57Glu in PUM1 is predicted as conserved by GERP++ and PhyloP across 100 vertebrates. For these reasons, this variant has been classified as Uncertain Significance.